The following is an entry in ClinVar:

ClinVar aggregate classification (germline): Pathogenic. Review status: criteria provided, multiple submitters, no conflicts (2 of 4 stars). 2 submissions from 2 submitters: Pathogenic (2). Last evaluated 2026-01-06.

Conditions:
Cardiovascular phenotype. Identifiers: MedGen CN230736.
Hereditary cancer-predisposing syndrome. Also called: Tumor predisposition; Neoplastic Syndromes, Hereditary; Hereditary neoplastic syndrome; Hereditary Cancer Syndrome. Identifiers: Orphanet 140162, MedGen C0027672, MeSH D009386, MONDO:0015356.

Submissions (2):

Labcorp Genetics (formerly Invitae), Labcorp
Classification: Pathogenic. Last evaluated: 2026-01-06. Review status: criteria provided, single submitter. Criteria: Invitae Variant Classification Sherloc (09022015). Collection method: clinical testing. Allele origin: germline.
Comment: This sequence change creates a premature translational stop signal (p.Glu223*) in the LZTR1 gene. It is expected to result in an absent or disrupted protein product. Loss-of-function variants in LZTR1 are known to be pathogenic (PMID: 24362817, 25335493, 25480913, 25795793, 29469822, 30368668, 30442762, 30442766, 30481304, 30859559). This variant is not present in population databases (gnomAD no frequency). This variant has not been reported in the literature in individuals affected with LZTR1-related conditions. ClinVar contains an entry for this variant (Variation ID: 4101827). For these reasons, this variant has been classified as Pathogenic.

Ambry Genetics
Classification: Pathogenic for Cardiovascular phenotype; Hereditary cancer-predisposing syndrome. Last evaluated: 2025-07-15. Review status: criteria provided, single submitter. Criteria: Ambry Variant Classification Scheme 2023. Collection method: clinical testing. Allele origin: germline.
Comment: The p.E223* pathogenic mutation (also known as c.667G>T), located in coding exon 8 of the LZTR1 gene, results from a G to T substitution at nucleotide position 667. This changes the amino acid from a glutamic acid to a stop codon within coding exon 8. This variant is considered to be rare based on population cohorts in the Genome Aggregation Database (gnomAD). This alteration is expected to result in loss of function by premature protein truncation or nonsense-mediated mRNA decay. Loss-of-function variants in LZTR1 are related to an increased risk for schwannomas and autosomal recessive Noonan syndrome; however, such associations with autosomal dominant Noonan syndrome have not been observed (Piotrowski A et al. Nat Genet. 2014 Feb;46:182-7; Yamamoto GL et al. J Med Genet. 2015 Jun;52:413-21; Johnston JJ et al. Genet Med. 2018 10;20:1175-1185). Based on the supporting evidence, this variant is pathogenic for an increased risk of LZTR1-related schwannomatosis (SWN) and would be expected to cause autosomal recessive Noonan syndrome when present along with a second pathogenic or likely pathogenic variant on the other allele; however, the association of this alteration with autosomal dominant Noonan syndrome is unlikely.

Literature cited by the submitters: PubMed 24362817 (cited by Labcorp Genetics (formerly Invitae), Labcorp); PubMed 25335493 (cited by Labcorp Genetics (formerly Invitae), Labcorp); PubMed 25480913 (cited by Labcorp Genetics (formerly Invitae), Labcorp); PubMed 25795793 (cited by Labcorp Genetics (formerly Invitae), Labcorp); PubMed 29469822 (cited by Labcorp Genetics (formerly Invitae), Labcorp); PubMed 30368668 (cited by Labcorp Genetics (formerly Invitae), Labcorp); PubMed 30442762 (cited by Labcorp Genetics (formerly Invitae), Labcorp); PubMed 30442766 (cited by Labcorp Genetics (formerly Invitae), Labcorp); PubMed 30481304 (cited by Labcorp Genetics (formerly Invitae), Labcorp); PubMed 30859559 (cited by Labcorp Genetics (formerly Invitae), Labcorp).

NM_006767.4(LZTR1):c.667G>T (p.Glu223Ter)

Gene: LZTR1 (leucine zipper like post translational regulator 1; plus strand). Cytogenetic location: 22q11.21.
Variant type: single nucleotide variant.
Coding change: c.667G>T on transcript NM_006767.4 (MANE Select); coding-DNA position 667, G replaced by T.
Protein change: p.Glu223Ter; replaces glutamic acid 223 with a stop codon.
Molecular consequence: nonsense.
Genome position (GRCh38, 1-based): chr22:20,990,401, G>T. VCF-style: chr22-20990401-G-T. GRCh37 (hg19) VCF-style: chr22-21344690-G-T.
Other names: short protein forms E223*.
Identifiers: ClinVar variation 4101827 (VCV004101827.2).
Genomic context (GRCh38, chr22:20,990,401, plus strand): 5'-GCGGGCCCTGTGAGGCCGGGGCTGAGCTGTCCTCTCCCCCTGCAGGTGGCCCAGAGTGGC[G>T]AGATCCCCCCATCTTGCTGCAACTTCCCCGTGGCTGTGTGCCGGGACAAGATGTTTGTAT-3'